The following is an entry in ClinVar:

NM_058216.3(RAD51C):c.96C>G (p.Phe32Leu)

Gene: RAD51C (RAD51 paralog C; plus strand). Cytogenetic location: 17q22.
Variant type: single nucleotide variant.
Coding change: c.96C>G on transcript NM_058216.3 (MANE Select); coding-DNA position 96, C replaced by G.
Protein change: p.Phe32Leu; replaces phenylalanine 32 with leucine.
Molecular consequence: missense variant. On other transcripts: non-coding transcript variant (1).
Genome position (GRCh38, 1-based): chr17:58,692,739, C>G. VCF-style: chr17-58692739-C-G. GRCh37 (hg19) VCF-style: chr17-56770100-C-G.
Other names: c.96C>G, p.Phe32Leu (NM_002876.4); short protein forms F32L.
Identifiers: ClinVar variation 653924 (VCV000653924.8), dbSNP rs1228923241, ClinGen allele CA400337284.
Genomic context (GRCh38, chr17:58,692,739, plus strand): 5'-GGATTTGGTGAGTTTCCCGCTGTCTCCAGCGGTGCGGGTGAAGCTGGTGTCTGCGGGGTT[C>G]CAGACTGCTGAGGAACTCCTAGAGGTGAAACCCTCCGAGCTTAGCAAAGGTAACGACTCC-3'
Protein context (NP_478123.1, residues 22-42): AVRVKLVSAG[Phe32Leu]QTAEELLEVK

ClinVar aggregate classification (germline): Uncertain significance (1 of 4 stars; one submission).

Conditions:
Fanconi anemia complementation group O. Also called: RAD51C-Related Fanconi Anemia. Identifiers: Orphanet 84, MedGen C3150653, MONDO:0013248, OMIM 613390.

Submission:

Labcorp Genetics (formerly Invitae), Labcorp
Classification: Uncertain significance for Fanconi anemia complementation group O. Last evaluated: 2024-10-15. Review status: criteria provided, single submitter. Criteria: Invitae Variant Classification Sherloc (09022015). Collection method: clinical testing. Allele origin: germline.
Comment: This sequence change replaces phenylalanine, which is neutral and non-polar, with leucine, which is neutral and non-polar, at codon 32 of the RAD51C protein (p.Phe32Leu). This variant is not present in population databases (gnomAD no frequency). This variant has not been reported in the literature in individuals affected with RAD51C-related conditions. ClinVar contains an entry for this variant (Variation ID: 653924). Invitae Evidence Modeling of protein sequence and biophysical properties (such as structural, functional, and spatial information, amino acid conservation, physicochemical variation, residue mobility, and thermodynamic stability) indicates that this missense variant is not expected to disrupt RAD51C protein function with a negative predictive value of 80%. In summary, the available evidence is currently insufficient to determine the role of this variant in disease. Therefore, it has been classified as a Variant of Uncertain Significance.